The following is an entry in ClinVar:

NM_182931.3(KMT2E):c.3908C>T (p.Ser1303Leu)

Gene: KMT2E (lysine methyltransferase 2E (inactive); plus strand). Cytogenetic location: 7q22.3.
Variant type: single nucleotide variant.
Coding change: c.3908C>T on transcript NM_182931.3 (MANE Select); coding-DNA position 3908, C replaced by T.
Protein change: p.Ser1303Leu; replaces serine 1303 with leucine.
Molecular consequence: missense variant.
Genome position (GRCh38, 1-based): chr7:105,110,540, C>T. VCF-style: chr7-105110540-C-T. GRCh37 (hg19) VCF-style: chr7-104750987-C-T.
Other names: c.3908C>T, p.Ser1303Leu (NM_018682.4); short protein forms S1303L.
Identifiers: ClinVar variation 2429079 (VCV002429079.5), dbSNP rs1799182705, ClinGen allele CA368790920.

ClinVar aggregate classification (germline): Conflicting classifications of pathogenicity. Review status: criteria provided, conflicting classifications (1 of 4 stars). 2 submissions from 2 submitters: Uncertain significance (1); Benign (1). Last evaluated 2025-05-27.

Allele frequency attached by ClinVar (database versions not stated): gnomAD 0.00001.
gnomAD v4.1: 1 of 1,614,042 alleles (0.000062%); highest among the groups gnomAD compares: African/African-American, 0.0013%; no homozygotes.

Submissions (2):

Labcorp Genetics (formerly Invitae), Labcorp
Classification: Benign. Last evaluated: 2025-05-27. Review status: criteria provided, single submitter. Criteria: Invitae Variant Classification Sherloc (09022015). Collection method: clinical testing. Allele origin: germline.

Greenwood Genetic Center Diagnostic Laboratories, Greenwood Genetic Center
Classification: Uncertain significance. Last evaluated: 2022-10-17. Review status: criteria provided, single submitter. Criteria: ACMG Guidelines, 2015. Collection method: clinical testing. Allele origin: germline. Affected: yes.
Comment: PP3